The following is an entry in ClinVar:

NM_001346813.1:c.6271G>A

Gene: ARID1B (AT-rich interaction domain 1B; plus strand).
Variant type: single nucleotide variant.
Other names: c.6271G>A (NM_001346813.1).
Identifiers: ClinVar variation 4680871 (VCV004680871.1).

ClinVar aggregate classification (germline): Uncertain significance (1 of 4 stars; one submission).

Submission:

GeneDx
Classification: Uncertain significance. Last evaluated: 2025-07-01. Review status: criteria provided, single submitter. Criteria: GeneDx Variant Classification Process June 2021. Collection method: clinical testing. Allele origin: germline. Affected: yes.
Comment: In silico analysis supports that this missense variant has a deleterious effect on protein structure/function; Has not been previously published as pathogenic or benign to our knowledge